The following is an entry in ClinVar:

ClinVar aggregate classification (germline): Uncertain significance (1 of 4 stars; one submission).

Conditions:
Hereditary cancer-predisposing syndrome. Also called: Neoplastic Syndromes, Hereditary; Tumor predisposition; Hereditary Cancer Syndrome; Hereditary neoplastic syndrome. Identifiers: Orphanet 140162, MedGen C0027672, MeSH D009386, MONDO:0015356.

gnomAD v4.1: 4 of 1,614,176 alleles (0.00025%); highest among the groups gnomAD compares: Non-Finnish European, 0.00034%; no homozygotes.

Submission:

Ambry Genetics
Classification: Uncertain significance for Hereditary cancer-predisposing syndrome. Last evaluated: 2022-02-16. Review status: criteria provided, single submitter. Criteria: Ambry Variant Classification Scheme 2023. Collection method: clinical testing. Allele origin: germline.
Comment: The p.A1206P variant (also known as c.3616G>C), located in coding exon 18 of the BLM gene, results from a G to C substitution at nucleotide position 3616. The alanine at codon 1206 is replaced by proline, an amino acid with highly similar properties. This amino acid position is conserved. In addition, this alteration is predicted to be tolerated by in silico analysis. Since supporting evidence is limited at this time, the clinical significance of this alteration remains unclear.

NM_000057.4(BLM):c.3616G>C (p.Ala1206Pro)

Gene: BLM (BLM RecQ like helicase; plus strand). Cytogenetic location: 15q26.1.
Variant type: single nucleotide variant.
Coding change: c.3616G>C on transcript NM_000057.4 (MANE Select); coding-DNA position 3616, G replaced by C.
Protein change: p.Ala1206Pro; replaces alanine 1206 with proline.
Molecular consequence: missense variant. On other transcripts: intron variant (1).
Genome position (GRCh38, 1-based): chr15:90,804,224, G>C. VCF-style: chr15-90804224-G-C. GRCh37 (hg19) VCF-style: chr15-91347454-G-C.
Other names: c.3616G>C, p.Ala1206Pro (NM_001287246.2); c.2491G>C, p.Ala831Pro (NM_001287248.2); c.3359-4913G>C (NM_001287247.2); short protein forms A1206P, A831P.
Identifiers: ClinVar variation 1733272 (VCV001733272.2), dbSNP rs1897234089, ClinGen allele CA393848008.